The following is an entry in ClinVar:

NM_001098511.3(KIF2A):c.195C>A (p.Asp65Glu)

Gene: KIF2A (kinesin family member 2A; plus strand). Cytogenetic location: 5q12.1.
Variant type: single nucleotide variant.
Coding change: c.195C>A on transcript NM_001098511.3 (MANE Select); coding-DNA position 195, C replaced by A.
Protein change: p.Asp65Glu; replaces aspartic acid 65 with glutamic acid.
Molecular consequence: missense variant.
Genome position (GRCh38, 1-based): chr5:62,348,083, C>A. VCF-style: chr5-62348083-C-A. GRCh37 (hg19) VCF-style: chr5-61643910-C-A.
Other names: c.114C>A, p.Asp38Glu (NM_001243952.2); c.195C>A, p.Asp65Glu (NM_001243953.2, NM_004520.5); short protein forms D65E, D38E.
Identifiers: ClinVar variation 382901 (VCV000382901.15), dbSNP rs73102041, ClinGen allele CA3278718.

ClinVar aggregate classification (germline): Benign. Review status: criteria provided, multiple submitters, no conflicts (2 of 4 stars). 4 submissions from 4 submitters: Benign (3). 1 of the submissions does not count toward it. Last evaluated 2026-02-03.

Conditions:
KIF2A-related disorder. Also called: KIF2A-related condition.

Allele frequency attached by ClinVar (database versions not stated): gnomAD exomes 0.00158; ExAC 0.00194; 1000 Genomes Project 30x 0.00593; gnomAD 0.00634 and 0.00690; 1000 Genomes Project 0.00639; ESP Exome Variant Server 0.00700; TOPMed 0.00703.
gnomAD v4.1: 1,874 of 1,613,756 alleles (0.12%); highest among the groups gnomAD compares: African/African-American, 2.3%; 17 homozygotes.

Submissions (4):

Labcorp Genetics (formerly Invitae), Labcorp
Classification: Benign. Last evaluated: 2026-02-03. Review status: criteria provided, single submitter. Criteria: Invitae Variant Classification Sherloc (09022015). Collection method: clinical testing. Allele origin: germline.

GeneDx
Classification: Benign. Last evaluated: 2016-08-02. Review status: criteria provided, single submitter. Criteria: GeneDx Variant Classification (06012015). Collection method: clinical testing. Allele origin: germline. Affected: yes.
Comment: This variant is considered likely benign or benign based on one or more of the following criteria: it is a conservative change, it occurs at a poorly conserved position in the protein, it is predicted to be benign by multiple in silico algorithms, and/or has population frequency not consistent with disease.

Breakthrough Genomics
Classification: Benign. Review status: criteria provided, single submitter. Criteria: ACMG Guidelines, 2015. Collection method: not provided. Allele origin: germline. Inheritance: Autosomal dominant inheritance. Affected: yes.

PreventionGenetics, part of Exact Sciences
Classification: Benign for KIF2A-related condition. Last evaluated: 2019-05-31. Review status: no assertion criteria provided. Collection method: clinical testing. Allele origin: germline. Not counted in ClinVar's aggregate classification.
Comment: This variant is classified as benign based on ACMG/AMP sequence variant interpretation guidelines (Richards et al. 2015 PMID: 25741868, with internal and published modifications).